The following is an entry in ClinVar:

NM_005751.5(AKAP9):c.4199T>C (p.Met1400Thr)

Gene: AKAP9 (A-kinase anchoring protein 9; plus strand). Cytogenetic location: 7q21.2.
Variant type: single nucleotide variant.
Coding change: c.4199T>C on transcript NM_005751.5 (MANE Select); coding-DNA position 4199, T replaced by C.
Protein change: p.Met1400Thr; replaces methionine 1400 with threonine.
Molecular consequence: missense variant.
Genome position (GRCh38, 1-based): chr7:92,029,945, T>C. VCF-style: chr7-92029945-T-C. GRCh37 (hg19) VCF-style: chr7-91659259-T-C.
Other names: c.4199T>C, p.Met1400Thr (NM_147185.3); short protein forms M1400T.
Identifiers: ClinVar variation 191553 (VCV000191553.23), dbSNP rs73407505, ClinGen allele CA199855.

ClinVar aggregate classification (germline): Benign/Likely benign. Review status: criteria provided, multiple submitters, no conflicts (2 of 4 stars). 7 submissions from 7 submitters: Benign (6); Likely benign (1). Last evaluated 2026-02-02.

Conditions:
Cardiovascular phenotype. Identifiers: MedGen CN230736.
Long QT syndrome (LQTS). Identifiers: MedGen C0023976, MeSH D008133, MONDO:0002442. Disease mechanism: loss of function. Inheritance: Various modes of inheritance.
Long QT syndrome 11 (LQT11). Identifiers: Orphanet 101016, Orphanet 768, MedGen C2678483, MONDO:0012738, OMIM 611820.

Allele frequency attached by ClinVar (database versions not stated): gnomAD exomes 0.00477 and 0.01226; ExAC 0.01463; gnomAD 0.03481 and 0.03644; ESP Exome Variant Server 0.03668; TOPMed 0.03827; 1000 Genomes Project 0.05052; 1000 Genomes Project 30x 0.05512.

Submissions (7):

Labcorp Genetics (formerly Invitae), Labcorp
Classification: Benign for Long QT syndrome. Last evaluated: 2026-02-02. Review status: criteria provided, single submitter. Criteria: Invitae Variant Classification Sherloc (09022015). Collection method: clinical testing. Allele origin: germline.

Genome-Nilou Lab
Classification: Benign for Long QT syndrome 11. Last evaluated: 2021-12-05. Review status: criteria provided, single submitter. Criteria: ACMG Guidelines, 2015. Collection method: clinical testing. Allele origin: germline. Affected: no.

Women's Health and Genetics/Laboratory Corporation of America, LabCorp
Classification: Benign. Last evaluated: 2019-09-03. Review status: criteria provided, single submitter. Criteria: LabCorp Variant Classification Summary - May 2015. Collection method: clinical testing. Allele origin: germline.
Comment: Variant summary: AKAP9 c.4199T>C (p.Met1400Thr) results in a non-conservative amino acid change in the encoded protein sequence. Four of five in-silico tools predict a benign effect of the variant on protein function. The variant allele was found at a frequency of 0.012 in 251402 control chromosomes in the gnomAD database, including 134 homozygotes. The observed variant frequency is well above the estimated maximal expected allele frequency for a pathogenic variant in AKAP9 causing Arrhythmia phenotype (1e-05), strongly suggesting that the variant is benign. To our knowledge, no occurrence of c.4199T>C in individuals affected with Arrhythmia and no experimental evidence demonstrating its impact on protein function have been reported. Three clinical diagnostic laboratories have submitted clinical-significance assessments for this variant to ClinVar after 2014 without evidence for independent evaluation (2x benign, 1xlikely benign). Based on the evidence outlined above, the variant was classified as benign.

Ambry Genetics
Classification: Benign for Cardiovascular phenotype. Last evaluated: 2015-06-26. Review status: criteria provided, single submitter. Criteria: Ambry Variant Classification Scheme 2023. Collection method: clinical testing. Allele origin: germline.

GeneDx
Classification: Benign. Last evaluated: 2015-03-03. Review status: criteria provided, single submitter. Criteria: GeneDx Variant Classification Process June 2021. Collection method: clinical testing. Allele origin: germline. Affected: yes.

Biesecker Lab/Clinical Genomics Section, National Institutes of Health
Classification: Benign. Last evaluated: 2013-06-24. Review status: criteria provided, single submitter. Criteria: Ng et al. (Circ Cardiovasc Genet. 2013). Collection method: research. Allele origin: unknown. Observed: 6 variant alleles. Study: ClinSeq.
Comment: The study set was not selected for affection status in relation to any cancer. Pathogenicity categories were based on literature curation. See Pubmed ID:23861362 for details.

Medical sequencing

Breakthrough Genomics
Classification: Likely benign. Review status: criteria provided, single submitter. Criteria: ACMG Guidelines, 2015. Collection method: not provided. Allele origin: germline. Inheritance: Autosomal dominant inheritance. Affected: yes.